The following is an entry in ClinVar:

ClinVar aggregate classification (germline): Pathogenic/Likely pathogenic. Review status: criteria provided, multiple submitters, no conflicts (2 of 4 stars). 7 submissions from 7 submitters: Pathogenic (1); Likely pathogenic (6). Last evaluated 2024-09-24.

Conditions:
Hereditary cancer-predisposing syndrome. Also called: Tumor predisposition; Neoplastic Syndromes, Hereditary; Hereditary neoplastic syndrome; Hereditary Cancer Syndrome. Identifiers: Orphanet 140162, MedGen C0027672, MeSH D009386, MONDO:0015356.
Familial cancer of breast. Also called: Hereditary breast cancer; hereditary breast carcinoma; BREAST CANCER, FAMILIAL. Identifiers: Orphanet 227535, MedGen C0346153, MONDO:0016419, OMIM 114480. Disease mechanism: loss of function.
Ataxia-telangiectasia syndrome (AT). Also called: Ataxia-telangiectasia, complementation group D; AT, COMPLEMENTATION GROUP C; ATAXIA-TELANGIECTASIA, COMPLEMENTATION GROUP A; ATAXIA-TELANGIECTASIA, FRESNO VARIANT; Ataxia-telangiectasia; Ataxia telangiectasia (A-T). Identifiers: Orphanet 100, MedGen C0004135, MONDO:0008840, OMIM 208900.

Allele frequency attached by ClinVar (database versions not stated): TOPMed below 0.00001.

Submissions (8):

Labcorp Genetics (formerly Invitae), Labcorp
Classification: Likely pathogenic for Ataxia-telangiectasia syndrome. Last evaluated: 2024-09-24. Review status: criteria provided, single submitter. Criteria: Invitae Variant Classification Sherloc (09022015). Collection method: clinical testing. Allele origin: germline.
Comment: This sequence change affects an acceptor splice site in intron 60 of the ATM gene. It is expected to disrupt RNA splicing. Variants that disrupt the donor or acceptor splice site typically lead to a loss of protein function (PMID: 16199547), and loss-of-function variants in ATM are known to be pathogenic (PMID: 23807571, 25614872). This variant is not present in population databases (gnomAD no frequency). This variant has not been reported in the literature in individuals affected with ATM-related conditions. ClinVar contains an entry for this variant (Variation ID: 943453). Algorithms developed to predict the effect of sequence changes on RNA splicing suggest that this variant may disrupt the consensus splice site. In summary, the currently available evidence indicates that the variant is pathogenic, but additional data are needed to prove that conclusively. Therefore, this variant has been classified as Likely Pathogenic.

GeneDx
Classification: Likely pathogenic. Last evaluated: 2024-03-05. Review status: criteria provided, single submitter. Criteria: GeneDx Variant Classification Process June 2021. Collection method: clinical testing. Allele origin: germline. Affected: yes.
Comment: Canonical splice site variant predicted to result in a null allele in a gene for which loss of function is a known mechanism of disease; Not observed at significant frequency in large population cohorts (gnomAD); Has not been previously published as pathogenic or benign to our knowledge

Myriad Genetics, Inc.
Classification: Likely pathogenic for Familial cancer of breast. Last evaluated: 2024-02-05. Review status: criteria provided, single submitter. Criteria: Myriad Autosomal Dominant, Autosomal Recessive and X-Linked Classification Criteria (2023). Collection method: clinical testing. Allele origin: unknown.
Comment: This variant is considered likely pathogenic. This variant occurs within a consensus splice junction and is predicted to result in abnormal mRNA splicing of either an out-of-frame exon or an in-frame exon necessary for protein stability and/or normal function.

Department of Pathology and Laboratory Medicine, Sinai Health System
Classification: Likely pathogenic for Familial cancer of breast. Last evaluated: 2023-09-22. Review status: criteria provided, single submitter. Criteria: ACMG Guidelines, 2015. Collection method: clinical testing. Allele origin: germline. Affected: yes.

Ambry Genetics
Classification: Pathogenic for Hereditary cancer-predisposing syndrome. Last evaluated: 2022-06-13. Review status: criteria provided, single submitter. Criteria: Ambry Variant Classification Scheme 2023. Collection method: clinical testing. Allele origin: germline.
Comment: The c.8787-2A>G intronic pathogenic mutation results from an A to G substitution two nucleotides upstream from coding exon 60 in the ATM gene. In silico splice site analysis predicts that this alteration will weaken the native splice acceptor site. RNA studies have demonstrated that a different nucleotide change impacting this splice site, c.8787-1G>C, results in abnormal splicing in the set of samples tested (Ambry internal data). Alterations that disrupt the canonical splice site are expected to cause aberrant splicing, resulting in an abnormal protein or a transcript that is subject to nonsense-mediated mRNA decay. As such, this alteration is classified as a disease-causing mutation.

Baylor Genetics
Classification: Likely pathogenic for Familial cancer of breast. Last evaluated: 2021-12-23. Review status: criteria provided, single submitter. Criteria: ACMG Guidelines, 2015. Collection method: clinical testing. Allele origin: unknown.

MGZ Medical Genetics Center
Classification: Likely pathogenic for Familial cancer of breast. Last evaluated: 2021-12-17. Review status: criteria provided, single submitter. Criteria: ACMG Guidelines, 2015. Collection method: clinical testing. Allele origin: germline. Affected: yes. Observed: 1 variant allele.
Comment: ACMG criteria applied: PVS1, PM2_SUP

Dr. Peter K. Rogan Lab, Western University
No classification provided (evidence only). Condition: Melanoma. Review status: no classification provided. Collection method: in vitro. Allele origin: not applicable. Functional consequence: skipped exon. Not counted in ClinVar's aggregate classification.

Literature cited by the submitters: PubMed 16199547 (cited by Labcorp Genetics (formerly Invitae), Labcorp); PubMed 23807571 (cited by Labcorp Genetics (formerly Invitae), Labcorp); PubMed 25614872 (cited by Labcorp Genetics (formerly Invitae), Labcorp).

NM_000051.4(ATM):c.8787-2A>G

Genes: ATM (ATM serine/threonine kinase; plus strand), C11orf65 (chromosome 11 open reading frame 65; minus strand). Cytogenetic location: 11q22.3.
Variant type: single nucleotide variant.
Coding change: c.8787-2A>G on transcript NM_000051.4 (MANE Select); the canonical splice acceptor site of the intron before coding-DNA position 8787, A replaced by G.
Molecular consequence: splice acceptor variant. On other transcripts: intron variant (2).
Genome position (GRCh38, 1-based): chr11:108,354,809, A>G. VCF-style: chr11-108354809-A-G. GRCh37 (hg19) VCF-style: chr11-108225536-A-G.
Other names: c.8787-2A>G (NM_001351834.2); c.640+31111T>C (NM_001330368.2); c.695-19517T>C (NM_001351110.2).
Identifiers: ClinVar variation 943453 (VCV000943453.16), dbSNP rs2089688512, ClinGen allele CA382525481.